The following is an entry in ClinVar:

ClinVar aggregate classification (germline): Benign. Review status: criteria provided, multiple submitters, no conflicts (2 of 4 stars). 3 submissions from 3 submitters: Benign (3). Last evaluated 2023-02-01.

Allele frequency attached by ClinVar (database versions not stated): 1000 Genomes Project 30x 0.00390; 1000 Genomes Project 0.00439; gnomAD 0.00484; ESP Exome Variant Server 0.00638; TOPMed 0.00647; ExAC 0.00655; gnomAD exomes 0.00684.
gnomAD v4.1: 12,484 of 1,613,948 alleles (0.77%); highest among the groups gnomAD compares: Middle Eastern, 1.3%; 64 homozygotes.

Submissions (3):

CeGaT Center for Human Genetics Tuebingen
Classification: Benign. Last evaluated: 2023-02-01. Review status: criteria provided, single submitter. Criteria: CeGaT Center For Human Genetics Tuebingen Variant Classification Criteria Version 2. Collection method: clinical testing. Allele origin: germline. Affected: yes. Observed: 3 variant alleles.
Comment: SERPINA3: BP4, BP7, BS1, BS2

Labcorp Genetics (formerly Invitae), Labcorp
Classification: Benign. Last evaluated: 2019-12-31. Review status: criteria provided, single submitter. Criteria: Invitae Variant Classification Sherloc (09022015). Collection method: clinical testing. Allele origin: germline.

Breakthrough Genomics
Classification: Benign. Review status: criteria provided, single submitter. Criteria: ACMG Guidelines, 2015. Collection method: not provided. Allele origin: germline. Inheritance: Unknown mechanism. Affected: yes.

NM_001085.5(SERPINA3):c.822A>C (p.Ala274=)

Gene: SERPINA3 (serpin family A member 3; plus strand). Cytogenetic location: 14q32.13.
Variant type: single nucleotide variant.
Coding change: c.822A>C on transcript NM_001085.5 (MANE Select); coding-DNA position 822, A replaced by C.
Protein change: p.Ala274=; no amino-acid change (alanine 274 retained).
Molecular consequence: synonymous variant.
Genome position (GRCh38, 1-based): chr14:94,619,373, A>C. VCF-style: chr14-94619373-A-C. GRCh37 (hg19) VCF-style: chr14-95085710-A-C.
Identifiers: ClinVar variation 773043 (VCV000773043.29), dbSNP rs112967031, ClinGen allele CA7329899.